The following is an entry in ClinVar:

NM_001204.7(BMPR2):c.2797A>T (p.Arg933Ter)

Gene: BMPR2 (bone morphogenetic protein receptor type 2; plus strand). Cytogenetic location: 2q33.2.
Variant type: single nucleotide variant.
Coding change: c.2797A>T on transcript NM_001204.7 (MANE Select); coding-DNA position 2797, A replaced by T.
Protein change: p.Arg933Ter; replaces arginine 933 with a stop codon.
Molecular consequence: nonsense.
Genome position (GRCh38, 1-based): chr2:202,556,462, A>T. VCF-style: chr2-202556462-A-T. GRCh37 (hg19) VCF-style: chr2-203421185-A-T.
Other names: short protein forms R933*.
Identifiers: ClinVar variation 1330864 (VCV001330864.7), dbSNP rs766741057, ClinGen allele CA350349802.

ClinVar aggregate classification (germline): Likely pathogenic (1 of 4 stars; one submission).

Submission:

ARUP Laboratories, Molecular Genetics and Genomics, ARUP Laboratories
Classification: Likely pathogenic. Last evaluated: 2020-11-10. Review status: criteria provided, single submitter. Criteria: ARUP Molecular Germline Variant Investigation Process 2021. Collection method: clinical testing. Allele origin: germline.
Comment: The BMPR2 c.2797A>T; p.Arg933Ter variant, to our knowledge, is not reported in the medical literature or gene-specific databases. This variant is also absent from general population databases (Exome Variant Server, Genome Aggregation Database), indicating it is not a common polymorphism. This variant induces an early termination codon and is predicted to result in a truncated protein or mRNA subject to nonsense-mediated decay. Several other truncating variants nearby or downstream of p.Arg933Ter have been reported in individuals affected with pulmonary hypertension (Morisaki 2004, Zhu 2019). Based on available information, the p.Arg933Ter variant is considered to be likely pathogenic. References: Morisaki H et al. BMPR2 mutations found in Japanese patients with familial and sporadic primary pulmonary hypertension. Hum Mutat. 2004 Jun;23(6):632. Zhu N et al. Novel risk genes and mechanisms implicated by exome sequencing of 2572 individuals with pulmonary arterial hypertension. Genome Med. 2019 Nov 14;11(1):69.